The following is an entry in ClinVar:

ClinVar aggregate classification (germline): Uncertain significance (1 of 4 stars; one submission).

Submission:

GeneDx
Classification: Uncertain significance. Last evaluated: 2024-11-19. Review status: criteria provided, single submitter. Criteria: GeneDx Variant Classification Process June 2021. Collection method: clinical testing. Allele origin: germline. Affected: yes.
Comment: Not observed at significant frequency in large population cohorts (gnomAD); In silico analysis supports that this missense variant has a deleterious effect on protein structure/function; Has not been previously published as pathogenic or benign to our knowledge

NM_001429.4(EP300):c.425G>A (p.Gly142Glu)

Gene: EP300 (EP300 lysine acetyltransferase; plus strand). Cytogenetic location: 22q13.2.
Variant type: single nucleotide variant.
Coding change: c.425G>A on transcript NM_001429.4 (MANE Select); coding-DNA position 425, G replaced by A.
Protein change: p.Gly142Glu; replaces glycine 142 with glutamic acid.
Molecular consequence: missense variant.
Genome position (GRCh38, 1-based): chr22:41,117,517, G>A. VCF-style: chr22-41117517-G-A. GRCh37 (hg19) VCF-style: chr22-41513521-G-A.
Other names: c.425G>A, p.Gly142Glu (NM_001362843.2); short protein forms G142E.
Identifiers: ClinVar variation 3899440 (VCV003899440.1).